The following is an entry in ClinVar:

ClinVar aggregate classification (germline): Uncertain significance (1 of 4 stars; one submission).

Allele frequency attached by ClinVar (database versions not stated): gnomAD exomes below 0.00001.
gnomAD v4.1: 3 of 1,606,488 alleles (0.00019%); highest among the groups gnomAD compares: Non-Finnish European, 0.00025%; no homozygotes.

Submission:

Labcorp Genetics (formerly Invitae), Labcorp
Classification: Uncertain significance. Last evaluated: 2021-08-27. Review status: criteria provided, single submitter. Criteria: Invitae Variant Classification Sherloc (09022015). Collection method: clinical testing. Allele origin: germline.
Comment: In summary, the available evidence is currently insufficient to determine the role of this variant in disease. Therefore, it has been classified as a Variant of Uncertain Significance. Algorithms developed to predict the effect of missense changes on protein structure and function are either unavailable or do not agree on the potential impact of this missense change (SIFT: "Deleterious"; PolyPhen-2: "Probably Damaging"; Align-GVGD: "Class C0"). This variant has not been reported in the literature in individuals affected with VPS13C-related conditions. This variant is not present in population databases (ExAC no frequency). This sequence change replaces serine with phenylalanine at codon 874 of the VPS13C protein (p.Ser874Phe). The serine residue is weakly conserved and there is a large physicochemical difference between serine and phenylalanine.

NM_020821.3(VPS13C):c.2621C>T (p.Ser874Phe)

Gene: VPS13C (vacuolar protein sorting 13 homolog C; minus strand). Cytogenetic location: 15q22.2.
Variant type: single nucleotide variant.
Coding change: c.2621C>T on transcript NM_020821.3 (MANE Select); coding-DNA position 2621, C replaced by T.
Protein change: p.Ser874Phe; replaces serine 874 with phenylalanine.
Molecular consequence: missense variant.
Genome position (GRCh38, 1-based): chr15:61,972,761, G>A on the plus strand (C>T on the coding strand, the complement: VPS13C is on the minus strand). VCF-style: chr15-61972761-G-A. GRCh37 (hg19) VCF-style: chr15-62264960-G-A.
Other names: c.2621C>T, p.Ser874Phe (NM_001018088.3); c.2492C>T, p.Ser831Phe (NM_017684.5, NM_018080.4); short protein forms S831F, S874F.
Identifiers: ClinVar variation 1413673 (VCV001413673.6), dbSNP rs2045593995, ClinGen allele CA392676479.